The following is an entry in ClinVar:

ClinVar aggregate classification (germline): Uncertain significance. Review status: criteria provided, multiple submitters, no conflicts (2 of 4 stars). 3 submissions from 3 submitters: Uncertain significance (3). Last evaluated 2023-06-02.

Conditions:
Inborn genetic diseases. Identifiers: MedGen C0950123, MeSH D030342.
Autosomal recessive spastic paraplegia type 78. Identifiers: Orphanet 513436, MedGen C5567893, MONDO:0014975, OMIM 617225.
Kufor-Rakeb syndrome (KRS). Also called: PARKINSON DISEASE 9, AUTOSOMAL RECESSIVE, JUVENILE-ONSET. Identifiers: Orphanet 306674, Orphanet 314632, MedGen C1847640, MONDO:0011706, OMIM 606693.

Submissions (3):

Mayo Clinic Laboratories, Mayo Clinic
Classification: Uncertain significance. Last evaluated: 2023-06-02. Review status: criteria provided, single submitter. Criteria: ACMG Guidelines, 2015. Collection method: clinical testing. Allele origin: germline. Observed: 1 variant allele.
Comment: BP4, PM2

Ambry Genetics
Classification: Uncertain significance for Inborn genetic diseases. Last evaluated: 2022-10-27. Review status: criteria provided, single submitter. Criteria: Ambry Variant Classification Scheme 2023. Collection method: clinical testing. Allele origin: germline.

Labcorp Genetics (formerly Invitae), Labcorp
Classification: Uncertain significance for Kufor-Rakeb syndrome; Autosomal recessive spastic paraplegia type 78. Last evaluated: 2021-12-01. Review status: criteria provided, single submitter. Criteria: Invitae Variant Classification Sherloc (09022015). Collection method: clinical testing. Allele origin: germline.
Comment: This variant has not been reported in the literature in individuals affected with ATP13A2-related conditions. In summary, the available evidence is currently insufficient to determine the role of this variant in disease. Therefore, it has been classified as a Variant of Uncertain Significance. Advanced modeling of protein sequence and biophysical properties (such as structural, functional, and spatial information, amino acid conservation, physicochemical variation, residue mobility, and thermodynamic stability) performed at Invitae indicates that this missense variant is not expected to disrupt ATP13A2 protein function. This variant is not present in population databases (gnomAD no frequency). This sequence change replaces alanine, which is neutral and non-polar, with glutamic acid, which is acidic and polar, at codon 1069 of the ATP13A2 protein (p.Ala1069Glu).

NM_022089.4(ATP13A2):c.3206C>A (p.Ala1069Glu)

Gene: ATP13A2 (ATPase cation transporting 13A2; minus strand). Cytogenetic location: 1p36.13.
Variant type: single nucleotide variant.
Coding change: c.3206C>A on transcript NM_022089.4 (MANE Select); coding-DNA position 3206, C replaced by A.
Protein change: p.Ala1069Glu; replaces alanine 1069 with glutamic acid.
Molecular consequence: missense variant.
Genome position (GRCh38, 1-based): chr1:16,986,834, G>T on the plus strand (C>A on the coding strand, the complement: ATP13A2 is on the minus strand). VCF-style: chr1-16986834-G-T. GRCh37 (hg19) VCF-style: chr1-17313329-G-T.
Other names: p.Ala1069Glu; c.3191C>A, p.Ala1064Glu (NM_001141973.3); c.3074C>A, p.Ala1025Glu (NM_001141974.3); c.3206C>A (NM_022089.2); short protein forms A1025E, A1069E, A1064E.
Identifiers: ClinVar variation 1439777 (VCV001439777.8), dbSNP rs764988645, ClinGen allele CA338233361.